The following is an entry in ClinVar:

ClinVar aggregate classification (germline): Uncertain significance (1 of 4 stars; one submission).

Conditions:
Fanconi anemia (FA). Also called: Fanconi's anemia. Identifiers: Orphanet 84, MedGen C0015625, MeSH D005199, MONDO:0019391.

Submission:

Labcorp Genetics (formerly Invitae), Labcorp
Classification: Uncertain significance for Fanconi anemia. Last evaluated: 2023-02-19. Review status: criteria provided, single submitter. Criteria: Invitae Variant Classification Sherloc (09022015). Collection method: clinical testing. Allele origin: germline.
Comment: This sequence change replaces glycine, which is neutral and non-polar, with serine, which is neutral and polar, at codon 743 of the FANCA protein (p.Gly743Ser). This variant is not present in population databases (gnomAD no frequency). This variant has not been reported in the literature in individuals affected with FANCA-related conditions. Advanced modeling of protein sequence and biophysical properties (such as structural, functional, and spatial information, amino acid conservation, physicochemical variation, residue mobility, and thermodynamic stability) performed at Invitae indicates that this missense variant is not expected to disrupt FANCA protein function. In summary, the available evidence is currently insufficient to determine the role of this variant in disease. Therefore, it has been classified as a Variant of Uncertain Significance.

NM_000135.4(FANCA):c.2227G>A (p.Gly743Ser)

Gene: FANCA (FA complementation group A; minus strand). Cytogenetic location: 16q24.3.
Variant type: single nucleotide variant.
Coding change: c.2227G>A on transcript NM_000135.4 (MANE Select); coding-DNA position 2227, G replaced by A.
Protein change: p.Gly743Ser; replaces glycine 743 with serine.
Molecular consequence: missense variant.
Genome position (GRCh38, 1-based): chr16:89,770,255, C>T on the plus strand (G>A on the coding strand, the complement: FANCA is on the minus strand). VCF-style: chr16-89770255-C-T. GRCh37 (hg19) VCF-style: chr16-89836663-C-T.
Other names: c.2227G>A, p.Gly743Ser (NM_001286167.3); short protein forms G743S.
Identifiers: ClinVar variation 2719492 (VCV002719492.3), dbSNP rs2544197581, ClinGen allele CA397446773.